The following is an entry in ClinVar:

Conditions:
Breast-ovarian cancer, familial, susceptibility to, 1 (BROVCA1). Also called: BRCA1 Hereditary Breast and Ovarian Cancer; OVARIAN CANCER, SUSCEPTIBILITY TO. Identifiers: Orphanet 145, MedGen C2676676, MONDO:0011450, OMIM 604370. Disease mechanism: loss of function.

Submission:

Brotman Baty Institute, University of Washington
No classification provided (evidence only). Condition: Breast-ovarian cancer, familial 1. Review status: no classification provided. Collection method: in vitro. Allele origin: not applicable. Functional consequence: functionally_normal.
ClinVar note: "not provided" was previously submitted as the classification for the variant. However, the classification appeared to be based only on an observation of functional data so it was converted to no classification on 2025-07-30.

NM_007294.4(BRCA1):c.95A>T (p.Lys32Met)

Gene: BRCA1 (BRCA1 DNA repair associated; minus strand). Cytogenetic location: 17q21.31.
Variant type: single nucleotide variant.
Coding change: c.95A>T on transcript NM_007294.4 (MANE Select); coding-DNA position 95, A replaced by T.
Protein change: p.Lys32Met; replaces lysine 32 with methionine.
Molecular consequence: missense variant. On other transcripts: non-coding transcript variant (1), intron variant (1).
Genome position (GRCh38, 1-based): chr17:43,115,765, T>A on the plus strand (A>T on the coding strand, the complement: BRCA1 is on the minus strand). VCF-style: chr17-43115765-T-A. GRCh37 (hg19) VCF-style: chr17-41267782-T-A.
Other names: c.95A>T, p.Lys32Met (NM_007304.2, NM_001407581.1, NM_001407582.1 and 192 more transcripts); c.-8+8252A>T (NM_007297.4); c.-94A>T (NM_001407571.1, NM_001407853.1, NM_001407879.1 and 52 more transcripts); c.-163A>T (NM_001407694.1, NM_001407696.1, NM_001407724.1 and 13 more transcripts); c.-167A>T (NM_001407695.1, NM_001408465.1); c.-47A>T (NM_001407697.1, NM_001407725.1, NM_001407728.1 and 47 more transcripts); c.-43A>T (NM_001407841.1); c.-210A>T (NM_001407889.1, NM_001407900.1, NM_001408492.1); and 2 more; short protein forms K32M.
Identifiers: ClinVar variation 868133 (VCV000868133.3), dbSNP rs2055258563, ClinGen allele CA10601962.